The following is an entry in ClinVar:

ClinVar aggregate classification (germline): Uncertain significance (1 of 4 stars; one submission).

Allele frequency attached by ClinVar (database versions not stated): TOPMed 0.00001.

Submission:

Labcorp Genetics (formerly Invitae), Labcorp
Classification: Uncertain significance. Last evaluated: 2023-08-10. Review status: criteria provided, single submitter. Criteria: Invitae Variant Classification Sherloc (09022015). Collection method: clinical testing. Allele origin: germline.
Comment: This sequence change replaces proline, which is neutral and non-polar, with glutamine, which is neutral and polar, at codon 59 of the C2 protein (p.Pro59Gln). This variant is not present in population databases (gnomAD no frequency). This variant has not been reported in the literature in individuals affected with C2-related conditions. In summary, the available evidence is currently insufficient to determine the role of this variant in disease. Therefore, it has been classified as a Variant of Uncertain Significance. Advanced modeling of protein sequence and biophysical properties (such as structural, functional, and spatial information, amino acid conservation, physicochemical variation, residue mobility, and thermodynamic stability) performed at Invitae indicates that this missense variant is expected to disrupt C2 protein function. ClinVar contains an entry for this variant (Variation ID: 1484995).

NM_000063.6(C2):c.176C>A (p.Pro59Gln)

Gene: C2 (complement C2; plus strand). Cytogenetic location: 6p21.33.
Variant type: single nucleotide variant.
Coding change: c.176C>A on transcript NM_000063.6 (MANE Select); coding-DNA position 176, C replaced by A.
Protein change: p.Pro59Gln; replaces proline 59 with glutamine.
Molecular consequence: missense variant. On other transcripts: genic upstream transcript variant (2), intron variant (1).
Genome position (GRCh38, 1-based): chr6:31,928,084, C>A. VCF-style: chr6-31928084-C-A. GRCh37 (hg19) VCF-style: chr6-31895861-C-A.
Other names: c.61C>A, p.Gln21Lys (NM_001282458.2); c.176C>A, p.Pro59Gln (NM_001282459.2); c.-63-5526C>A (NM_001282457.2); c.74-5526C>A (NM_001178063.3); c.46+286C>A (NM_001145903.3); short protein forms P59Q, Q21K.
Identifiers: ClinVar variation 1484995 (VCV001484995.8), dbSNP rs961046350, ClinGen allele CA136924492.